The following is an entry in ClinVar:

ClinVar aggregate classification (germline): Uncertain significance (1 of 4 stars; one submission).

Conditions:
Familial thoracic aortic aneurysm and aortic dissection (TAAD). Also called: Thoracic aortic aneurysms and dissections. Identifiers: Orphanet 91387, MedGen C4707243, MONDO:0019625.

Submission:

Labcorp Genetics (formerly Invitae), Labcorp
Classification: Uncertain significance for Familial thoracic aortic aneurysm and aortic dissection. Last evaluated: 2017-04-20. Review status: criteria provided, single submitter. Criteria: Invitae Variant Classification Sherloc (09022015). Collection method: clinical testing. Allele origin: germline.
Comment: This variant is an in-frame deletion of the genomic region encompassing the last 19 amino acids of exon 4 and most of intron 4 of the TGFBR1 gene. It preserves the integrity of the reading frame. This variant has not been reported in the literature in an individual with a TGFBR1-related disease. Experimental studies and prediction algorithms are not available for this variant, and the functional significance of the deleted amino acids is currently unknown. In summary, this variant is a novel partial exon 4 and intron 4 deletion. The impact of this deletion on TGFBR1 protein function has not been established. Therefore, it has been classified as a Variant of Uncertain Significance.

NM_004612.4(TGFBR1):c.752_806-1129del

Gene: TGFBR1 (transforming growth factor beta receptor 1; plus strand). Cytogenetic location: 9q22.33.
Variant type: Deletion.
Coding change: c.752_806-1129del on transcript NM_004612.4 (MANE Select); coding-DNA position 752 through 1129 bases into the intron before coding-DNA position 806, 3,372 bases deleted.
Molecular consequence: splice donor variant.
Genome position (GRCh38, 1-based): chr9:99,138,036-99,141,407, 3,372 bases deleted. GRCh37 (hg19): chr9:101,900,318-101,903,689.
Other names: c.521_575-1129del (NM_001130916.3); c.764_818-1129del (NM_001306210.2).
Identifiers: ClinVar variation 477560 (VCV000477560.1), ClinGen allele CA658656028.